The following is an entry in ClinVar:

NM_006121.4(KRT1):c.532T>C (p.Ser178Pro)

Gene: KRT1 (keratin 1; minus strand). Cytogenetic location: 12q13.13.
Variant type: single nucleotide variant.
Coding change: c.532T>C on transcript NM_006121.4 (MANE Select); coding-DNA position 532, T replaced by C.
Protein change: p.Ser178Pro; replaces serine 178 with proline.
Molecular consequence: missense variant.
Genome position (GRCh38, 1-based): chr12:52,679,817, A>G on the plus strand (T>C on the coding strand, the complement: KRT1 is on the minus strand). VCF-style: chr12-52679817-A-G. GRCh37 (hg19) VCF-style: chr12-53073601-A-G.
Other names: short protein forms S178P.
Identifiers: ClinVar variation 989261 (VCV000989261.6), dbSNP rs1941559064, ClinGen allele CA384975127.

ClinVar aggregate classification (germline): Likely pathogenic. Review status: criteria provided, multiple submitters, no conflicts (2 of 4 stars). 3 submissions from 3 submitters: Likely pathogenic (3). Last evaluated 2023-12-28.

Conditions:
Keratosis palmoplantaris striata 3 (PPKS3). Also called: STRIATE PALMOPLANTAR KERATODERMA III; KERATOSIS PALMOPLANTARIS STRIATA III; KERATODERMA, PALMOPLANTAR, STRIATE FORM III. Identifiers: MedGen C2931123, MONDO:0011881, OMIM 607654.
Ichthyosis hystrix of Curth-Macklin. Also called: Ichthyosis histrix, curth-macklin type. Identifiers: Orphanet 79503, MedGen C1840296, MONDO:0007808, OMIM 146590.
Diffuse nonepidermolytic palmoplantar keratoderma (NEPPK). Also called: Nonepidermolytic palmoplantar hyperkeratosis; Nonepidermolytic palmoplantar keratoderma. Identifiers: Orphanet 530838, MedGen C1833030, MONDO:0010962, OMIM 600962, HP:0007404.
Ichthyosis, annular epidermolytic, 2 (AEI2). Identifiers: MedGen C5774264, MONDO:0859574, OMIM 620148.
Epidermolytic hyperkeratosis 1 (EHK1). Also called: BULLOUS ERYTHRODERMA ICHTHYOSIFORMIS CONGENITA OF BROCQ; BULLOUS CONGENITAL ICHTHYOSIFORM ERYTHRODERMA. Identifiers: MedGen C5781874, MONDO:0700249, OMIM 113800.
Palmoplantar keratoderma, epidermolytic, 2 (EPPK2). Also called: KERATOSIS OF GREITHER; GREITHER SYNDROME. Identifiers: MedGen C2936837, MONDO:0957303, OMIM 620411.
Annular epidermolytic ichthyosis. Identifiers: Orphanet 281139, MedGen C1843463, MONDO:0011870.

Submissions (3):

GeneDx
Classification: Likely pathogenic. Last evaluated: 2023-12-28. Review status: criteria provided, single submitter. Criteria: GeneDx Variant Classification Process June 2021. Collection method: clinical testing. Allele origin: germline. Affected: yes.
Comment: Reported as a potentially more severe phenotype in comparison to the phenotype seen with a nearby variant (p.K177N); clinical information for the p.S178P variant not provided (PMID: 14708600); Located within the head domain, a region intolerant to change; Not observed at significant frequency in large population cohorts (gnomAD); This variant is associated with the following publications: (PMID: 31046801, 14708600)

Illumina Laboratory Services, Illumina
Classification: Likely pathogenic for Ichthyosis, annular epidermolytic 1. Last evaluated: 2020-05-22. Review status: criteria provided, single submitter. Criteria: ICSLVariantClassificationCriteria RUGD 01 April 2020. Collection method: clinical testing. Allele origin: unknown.
Comment: The KRT1 c.532T>C (p.Ser178Pro) variant is a missense variant that has been reported in a heterozygous state in at least one individual with epidermolytic hyperkeratosis (BorskÃ¡ et al. 2019). Variants at adjacent amino acid residues, including p.Lys177Asn and p.Arg179Pro, have also been identified in a heterozygous state in patients with hyperkeratosis (Yang et al. 1996; Virtanen et al. 2003). Control data are unavailable for the p.Ser178Pro variant, which is not found in the Genome Aggregation Database in a region of good sequence coverage, so the variant is presumed to be rare. Based on the evidence and application of the ACMG criteria, the p.Ser178Pro variant is classified as likely pathogenic for epidermolytic ichthyosis.

Juno Genomics, Hangzhou Juno Genomics, Inc
Classification: Likely pathogenic for Epidermolytic hyperkeratosis 1; Palmoplantar keratoderma, epidermolytic, 2; Ichthyosis, annular epidermolytic, 2; Ichthyosis hystrix of Curth-Macklin; Keratosis palmoplantaris striata 3; Diffuse nonepidermolytic palmoplantar keratoderma. Review status: criteria provided, single submitter. Criteria: ACMG Guidelines, 2015. Collection method: clinical testing. Allele origin: germline. Affected: yes.
Comment: Absent from controls (or at extremely low frequency if recessive) in Genome Aggregation Database.;Multiple lines of computational evidence support a deleterious effect on the gene or gene product.;Assumed de novo, but without confirmation of paternity and maternity.;The prevalence of the variant in affected individuals is significantly increased compared to the prevalence in controls.;Patient's phenotype or family history is highly specific for a disease with a single genetic etiology.

Literature cited by the submitters: PubMed 14708600 (cited by Illumina Laboratory Services, Illumina); PubMed 31046801 (cited by Illumina Laboratory Services, Illumina); PubMed 8751983 (cited by Illumina Laboratory Services, Illumina).